The following is an entry in ClinVar:

ClinVar aggregate classification (germline): Conflicting classifications of pathogenicity. Review status: criteria provided, conflicting classifications (1 of 4 stars). 5 submissions from 5 submitters: Uncertain significance (4); Likely benign (1). Last evaluated 2026-01-20.

Conditions:
Ullrich congenital muscular dystrophy 2 (UCMD2). Identifiers: Orphanet 75840, MedGen C4225314, MONDO:0014654, OMIM 616470.
Bethlem myopathy 2 (BTHLM2). Identifiers: Orphanet 536516, Orphanet 610, MedGen C4225313, MONDO:0034022, OMIM 616471.
Inborn genetic diseases. Identifiers: MedGen C0950123, MeSH D030342.

Allele frequency attached by ClinVar (database versions not stated): gnomAD exomes 0.00002; gnomAD 0.00019 and 0.00021; 1000 Genomes Project 30x 0.00047; ExAC 0.00003; TOPMed 0.00023; 1000 Genomes Project 0.00040; ESP Exome Variant Server 0.00017.
gnomAD v4.1: 56 of 1,613,696 alleles (0.0035%); highest among the groups gnomAD compares: African/African-American, 0.072%; no homozygotes.

Submissions (5):

Labcorp Genetics (formerly Invitae), Labcorp
Classification: Likely benign for Bethlem myopathy 2; Ullrich congenital muscular dystrophy 2. Last evaluated: 2026-01-20. Review status: criteria provided, single submitter. Criteria: Invitae Variant Classification Sherloc (09022015). Collection method: clinical testing. Allele origin: germline.

Women's Health and Genetics/Laboratory Corporation of America, LabCorp
Classification: Uncertain significance. Last evaluated: 2026-01-19. Review status: criteria provided, single submitter. Criteria: LabCorp Variant Classification Summary - May 2015. Collection method: clinical testing. Allele origin: germline.
Comment: Variant summary: COL12A1 c.4807C>G (p.Pro1603Ala) results in a non-conservative amino acid change in the encoded protein sequence. Algorithms developed to predict the effect of missense changes on protein structure and function are either unavailable or do not agree on the potential impact of this missense change. The variant allele was found at a frequency of 2.4e-05 in 249030 control chromosomes. The available data on variant occurrences in the general population are insufficient to allow any conclusion about variant significance. To our knowledge, no occurrence of c.4807C>G in individuals affected with COL12A1-related conditions and no experimental evidence demonstrating its impact on protein function have been reported. ClinVar contains an entry for this variant (Variation ID: 648979). Based on the evidence outlined above, the variant was classified as uncertain significance.

Ambry Genetics
Classification: Uncertain significance for Inborn genetic diseases. Last evaluated: 2023-12-20. Review status: criteria provided, single submitter. Criteria: Ambry Variant Classification Scheme 2023. Collection method: clinical testing. Allele origin: germline.

GeneDx
Classification: Uncertain significance. Last evaluated: 2023-09-25. Review status: criteria provided, single submitter. Criteria: GeneDx Variant Classification Process June 2021. Collection method: clinical testing. Allele origin: germline. Affected: yes.
Comment: Has not been previously published as pathogenic or benign to our knowledge; In silico analysis, which includes protein predictors and evolutionary conservation, supports that this variant does not alter protein structure/function

Mayo Clinic Laboratories, Mayo Clinic
Classification: Uncertain significance. Last evaluated: 2020-02-25. Review status: criteria provided, single submitter. Criteria: ACMG Guidelines, 2015. Collection method: clinical testing. Allele origin: germline. Observed: 1 variant allele.

NM_004370.6(COL12A1):c.4807C>G (p.Pro1603Ala)

Gene: COL12A1 (collagen type XII alpha 1 chain; minus strand). Cytogenetic location: 6q13.
Variant type: single nucleotide variant.
Coding change: c.4807C>G on transcript NM_004370.6 (MANE Select); coding-DNA position 4807, C replaced by G.
Protein change: p.Pro1603Ala; replaces proline 1603 with alanine.
Molecular consequence: missense variant.
Genome position (GRCh38, 1-based): chr6:75,143,272, G>C on the plus strand (C>G on the coding strand, the complement: COL12A1 is on the minus strand). VCF-style: chr6-75143272-G-C. GRCh37 (hg19) VCF-style: chr6-75852988-G-C.
Other names: c.1315C>G, p.Pro439Ala (NM_080645.3); short protein forms P1603A, P439A.
Identifiers: ClinVar variation 648979 (VCV000648979.20), dbSNP rs200034130, ClinGen allele CA3893345.